The following is an entry in ClinVar:

ClinVar aggregate classification (germline): Uncertain significance. Review status: criteria provided, multiple submitters, no conflicts (2 of 4 stars). 2 submissions from 2 submitters: Uncertain significance (2). Last evaluated 2025-09-25.

Conditions:
Inborn genetic diseases. Identifiers: MedGen C0950123, MeSH D030342.
Mucopolysaccharidosis type 1. Also called: IDUA deficiency; MPS I; Mucopolysaccharidosis Type I. Identifiers: Orphanet 579, MedGen C0023786, MONDO:0001586.

Allele frequency attached by ClinVar (database versions not stated): gnomAD 0.00001; gnomAD exomes 0.00004; TOPMed 0.00004.
gnomAD v4.1: 46 of 1,488,688 alleles (0.0031%); highest among the groups gnomAD compares: Non-Finnish European, 0.004%; no homozygotes.

Submissions (2):

Labcorp Genetics (formerly Invitae), Labcorp
Classification: Uncertain significance for Mucopolysaccharidosis type 1. Last evaluated: 2025-09-25. Review status: criteria provided, single submitter. Criteria: Invitae Variant Classification Sherloc (09022015). Collection method: clinical testing. Allele origin: germline.
Comment: This sequence change replaces proline, which is neutral and non-polar, with arginine, which is basic and polar, at codon 517 of the IDUA protein (p.Pro517Arg). This variant is present in population databases (no rsID available, gnomAD 0.006%). This variant has not been reported in the literature in individuals affected with IDUA-related conditions. ClinVar contains an entry for this variant (Variation ID: 2202571). Invitae Evidence Modeling of protein sequence and biophysical properties (such as structural, functional, and spatial information, amino acid conservation, physicochemical variation, residue mobility, and thermodynamic stability) has been performed for this missense variant. However, the output from this modeling did not meet the statistical confidence thresholds required to predict the impact of this variant on IDUA protein function. In summary, the available evidence is currently insufficient to determine the role of this variant in disease. Therefore, it has been classified as a Variant of Uncertain Significance.

Ambry Genetics
Classification: Uncertain significance for Inborn genetic diseases. Last evaluated: 2025-07-15. Review status: criteria provided, single submitter. Criteria: Ambry Variant Classification Scheme 2023. Collection method: clinical testing. Allele origin: germline.

NM_000203.5(IDUA):c.1550C>G (p.Pro517Arg)

Gene: IDUA (alpha-L-iduronidase; plus strand). Cytogenetic location: 4p16.3.
Variant type: single nucleotide variant.
Coding change: c.1550C>G on transcript NM_000203.5 (MANE Select); coding-DNA position 1550, C replaced by G.
Protein change: p.Pro517Arg; replaces proline 517 with arginine.
Molecular consequence: missense variant. On other transcripts: non-coding transcript variant (1).
Genome position (GRCh38, 1-based): chr4:1,003,370, C>G. VCF-style: chr4-1003370-C-G. GRCh37 (hg19) VCF-style: chr4-997158-C-G.
Other names: c.1154C>G, p.Pro385Arg (NM_001363576.1); c.1550C>G (NM_000203.3); short protein forms P385R, P517R.
Identifiers: ClinVar variation 2202571 (VCV002202571.4), dbSNP rs1051249739, ClinGen allele CA91170660.